The following is an entry in ClinVar:

NM_153717.3(EVC):c.1880_1881insGA (p.Glu628fs)

Gene: EVC (EvC ciliary complex subunit 1; plus strand). Cytogenetic location: 4p16.2.
Variant type: Insertion.
Coding change: c.1880_1881insGA on transcript NM_153717.3 (MANE Select); coding-DNA positions 1880 to 1881, GA inserted.
Protein change: p.Glu628fs; shifts the reading frame from glutamic acid 628.
Molecular consequence: frameshift variant.
Genome position: GRCh38 VCF-style: chr4-5793711-C-CGA. GRCh37 (hg19) VCF-style: chr4-5795438-C-CGA.
Other names: c.1880_1881insGA, p.Glu628fs (NM_001306090.2); short protein forms E628fs.
Identifiers: ClinVar variation 1724280 (VCV001724280.2), dbSNP rs2474308188, ClinGen allele CA2580070814.

ClinVar aggregate classification (germline): Likely pathogenic (1 of 4 stars; one submission).

Conditions:
Ellis-van Creveld syndrome (EVC). Also called: EVC-Related Ellis-van Creveld Syndrome; EVC2-Related Ellis-van Creveld Syndrome; MESOECTODERMAL DYSPLASIA; Chondroectodermal dysplasia. Identifiers: Orphanet 289, MedGen C0013903, MONDO:0009162, OMIM 225500.

Submission:

Myriad Genetics, Inc.
Classification: Likely pathogenic for Ellis-van Creveld syndrome. Last evaluated: 2022-02-04. Review status: criteria provided, single submitter. Criteria: Myriad Women's Health Autosomal Recessive and X-Linked Classification Criteria (2021). Collection method: clinical testing. Allele origin: unknown.
Comment: NM_153717.2(EVC):c.1880_1881insGA(E628Mfs*33) is expected to be pathogenic in the context of EVC-related Ellis-van Creveld syndrome. This variant is predicted to lead to an abnormal or absent protein product due to the creation of a premature termination codon in EVC, a gene where loss-of-function variants are known to be pathogenic. Please note: this variant was assessed in the context of healthy population screening.